The following is an entry in ClinVar:

NM_000497.4(CYP11B1):c.*923G>C

Gene: CYP11B1 (cytochrome P450 family 11 subfamily B member 1; minus strand). Cytogenetic location: 8q24.3.
Variant type: single nucleotide variant.
Coding change: c.*923G>C on transcript NM_000497.4 (MANE Select); 923 bases downstream of the stop codon, G replaced by C.
Molecular consequence: 3 prime UTR variant.
Genome position (GRCh38, 1-based): chr8:142,873,450, C>G on the plus strand (G>C on the coding strand, the complement: CYP11B1 is on the minus strand). VCF-style: chr8-142873450-C-G. GRCh37 (hg19) VCF-style: chr8-143954866-C-G.
Other names: c.*923G>C (NM_001026213.1).
Identifiers: ClinVar variation 362123 (VCV000362123.8), dbSNP rs61752805, ClinGen allele CA10627290.

ClinVar aggregate classification (germline): Benign. Review status: criteria provided, multiple submitters, no conflicts (2 of 4 stars). 4 submissions from 3 submitters: Benign (4). Last evaluated 2021-05-11.

Conditions:
Deficiency of steroid 11-beta-monooxygenase (CYP11B1). Also called: ADRENAL HYPERPLASIA, CONGENITAL, DUE TO STEROID 11-BETA-HYDROXYLASE DEFICIENCY; 11-BETA-HYDROXYLASE DEFICIENCY; ADRENAL HYPERPLASIA IV; P450C11B1 DEFICIENCY; STEROID 11-BETA-HYDROXYLASE DEFICIENCY; Congenital adrenal hyperplasia due to 11-beta-hydroxylase deficiency. Identifiers: Orphanet 90795, MedGen C0268292, MONDO:0008729, OMIM 202010. Disease mechanism: loss of function.
Glucocorticoid-remediable aldosteronism. Also called: Hyperaldosteronism, familial, type I; ACTH-DEPENDENT HYPERALDOSTERONISM SYNDROME; ALDOSTERONISM, SENSITIVE TO DEXAMETHASONE; FH I; GLUCOCORTICOID-SUPPRESSIBLE HYPERALDOSTERONISM. Identifiers: Orphanet 403, MedGen C3838731, MONDO:0007080, OMIM 103900.

Allele frequency attached by ClinVar (database versions not stated): 1000 Genomes Project 30x 0.02858; 1000 Genomes Project 0.03055; gnomAD exomes 0.04167; TOPMed 0.04650; gnomAD 0.06064.

Submissions (4):

GeneDx
Classification: Benign. Last evaluated: 2021-05-11. Review status: criteria provided, single submitter. Criteria: GeneDx Variant Classification Process June 2021. Collection method: clinical testing. Allele origin: germline. Affected: yes.

Illumina Laboratory Services, Illumina
Classification: Benign for Glucocorticoid-remediable aldosteronism. Last evaluated: 2018-01-13. Review status: criteria provided, single submitter. Criteria: ICSL Variant Classification Criteria 13 December 2019. Collection method: clinical testing. Allele origin: germline.
Comment: This variant was observed in the ICSL laboratory as part of a predisposition screen in an ostensibly healthy population. It had not been previously curated by ICSL or reported in the Human Gene Mutation Database (HGMD: prior to June 1st, 2018), and was therefore a candidate for classification through an automated scoring system. Utilizing variant allele frequency, disease prevalence and penetrance estimates, and inheritance mode, an automated score was calculated to assess if this variant is too frequent to cause the disease. Based on the score and internal cut-off values, a variant classified as benign is not then subjected to further curation. The score for this variant resulted in a classification of benign for this disease.

Illumina Laboratory Services, Illumina
Classification: Benign for Deficiency of steroid 11-beta-monooxygenase. Last evaluated: 2018-01-13. Review status: criteria provided, single submitter. Criteria: ICSL Variant Classification Criteria 13 December 2019. Collection method: clinical testing. Allele origin: germline.
Comment: the same text as in the submission from Illumina Laboratory Services, Illumina above.

Breakthrough Genomics
Classification: Benign. Review status: criteria provided, single submitter. Criteria: ACMG Guidelines, 2015. Collection method: not provided. Allele origin: germline. Inheritance: Autosomal recessive inheritance. Affected: yes.